The following is an entry in ClinVar:

NM_006035.4(CDC42BPB):c.1525C>T (p.Arg509Ter)

Gene: CDC42BPB (CDC42 binding protein kinase beta; minus strand). Cytogenetic location: 14q32.32.
Variant type: single nucleotide variant.
Coding change: c.1525C>T on transcript NM_006035.4 (MANE Select); coding-DNA position 1525, C replaced by T.
Protein change: p.Arg509Ter; replaces arginine 509 with a stop codon.
Molecular consequence: nonsense.
Genome position (GRCh38, 1-based): chr14:102,974,132, G>A on the plus strand (C>T on the coding strand, the complement: CDC42BPB is on the minus strand). VCF-style: chr14-102974132-G-A. GRCh37 (hg19) VCF-style: chr14-103440469-G-A.
Other names: c.1525C>T, p.Arg509Ter (NM_001411054.1); short protein forms R509*.
Identifiers: ClinVar variation 2443329 (VCV002443329.23), dbSNP rs768333860, ClinGen allele CA391089151.
Genomic context (GRCh38, chr14:102,974,132, plus strand): 5'-GCAGCCGCTGCGTGGAGTCCTCACGCTCTTGGCGAAGCGCCACTGTGTCCTCAAGCTGTC[G>A]CTCGAGCCTGTTTGAATCTGGACAAAAGAGGAAATAAACTCTGTTCCTTTATGTGCAATG-3'

ClinVar aggregate classification (germline): Uncertain significance. Review status: criteria provided, multiple submitters, no conflicts (2 of 4 stars). 3 submissions from 3 submitters: Uncertain significance (3). Last evaluated 2025-03-17.

Conditions:
Chilton-Okur-Chung neurodevelopmental syndrome (CHOCNS). Identifiers: MedGen C5677022, MONDO:0859239, OMIM 619841.

Allele frequency attached by ClinVar (database versions not stated): TOPMed below 0.00001; gnomAD 0.00001.
gnomAD v4.1: 2 of 1,613,460 alleles (0.00012%); highest among the groups gnomAD compares: African/African-American, 0.0013%; no homozygotes.

Submissions (3):

GeneDx
Classification: Uncertain significance. Last evaluated: 2025-03-17. Review status: criteria provided, single submitter. Criteria: GeneDx Variant Classification Process June 2021. Collection method: clinical testing. Allele origin: germline. Affected: yes.
Comment: Nonsense variant predicted to result in protein truncation or nonsense mediated decay in a gene for which loss of function is a known mechanism of disease; Has not been previously published as pathogenic or benign to our knowledge

CeGaT Center for Human Genetics Tuebingen
Classification: Uncertain significance. Last evaluated: 2024-08-01. Review status: criteria provided, single submitter. Criteria: CeGaT Center For Human Genetics Tuebingen Variant Classification Criteria Version 2. Collection method: clinical testing. Allele origin: germline. Affected: yes. Observed: 2 variant alleles.
Comment: CDC42BPB: PVS1:Strong, PP4

Equipe Genetique des Anomalies du Developpement, Université de Bourgogne
Classification: Uncertain significance for Chilton-Okur-Chung neurodevelopmental syndrome. Last evaluated: 2020-05-25. Review status: criteria provided, single submitter. Criteria: ACMG Guidelines, 2015. Collection method: research. Allele origin: maternal. Affected: yes.